The following is an entry in ClinVar:

ClinVar aggregate classification (germline): Uncertain significance (1 of 4 stars; one submission).

Submission:

Labcorp Genetics (formerly Invitae), Labcorp
Classification: Uncertain significance. Last evaluated: 2025-11-17. Review status: criteria provided, single submitter. Criteria: Invitae Variant Classification Sherloc (09022015). Collection method: clinical testing. Allele origin: germline.
Comment: This sequence change replaces leucine, which is neutral and non-polar, with serine, which is neutral and polar, at codon 2686 of the VCAN protein (p.Leu2686Ser). This variant is not present in population databases (gnomAD no frequency). This variant has not been reported in the literature in individuals affected with VCAN-related conditions. ClinVar contains an entry for this variant (Variation ID: 2769520). An algorithm developed to predict the effect of missense changes on protein structure and function outputs the following: PolyPhen-2: "Benign". The serine amino acid residue is found in multiple mammalian species, which suggests that this missense change does not adversely affect protein function. In summary, the available evidence is currently insufficient to determine the role of this variant in disease. Therefore, it has been classified as a Variant of Uncertain Significance.

NM_004385.5(VCAN):c.8057T>C (p.Leu2686Ser)

Genes: VCAN (versican; plus strand), VCAN-AS1 (VCAN antisense RNA 1; minus strand). Cytogenetic location: 5q14.3.
Variant type: single nucleotide variant.
Coding change: c.8057T>C on transcript NM_004385.5 (MANE Select); coding-DNA position 8057, T replaced by C.
Protein change: p.Leu2686Ser; replaces leucine 2686 with serine.
Molecular consequence: missense variant. On other transcripts: intron variant (2).
Genome position (GRCh38, 1-based): chr5:83,541,060, T>C. VCF-style: chr5-83541060-T-C. GRCh37 (hg19) VCF-style: chr5-82836879-T-C.
Other names: c.5096T>C, p.Leu1699Ser (NM_001164097.2); c.4004-4477T>C (NM_001164098.2); c.1043-4477T>C (NM_001126336.3); short protein forms L1699S, L2686S.
Identifiers: ClinVar variation 2769520 (VCV002769520.3), dbSNP rs2479121844, ClinGen allele CA360316106.